The following is an entry in ClinVar:

ClinVar aggregate classification (germline): Uncertain significance (1 of 4 stars; one submission).

Conditions:
Autosomal recessive distal spinal muscular atrophy 1. Also called: SEVERE INFANTILE AXONAL NEUROPATHY WITH RESPIRATORY FAILURE; SPINAL MUSCULAR ATROPHY, DIAPHRAGMATIC; HMN VI; NEURONOPATHY, SEVERE INFANTILE AXONAL, WITH RESPIRATORY FAILURE; NEURONOPATHY, DISTAL HEREDITARY MOTOR, HARDING TYPE VI; NEUROPATHY, DISTAL HEREDITARY MOTOR, AUTOSOMAL RECESSIVE 1. Identifiers: Orphanet 98920, MedGen C1858517, MONDO:0011436, OMIM 604320.
Charcot-Marie-Tooth disease axonal type 2S. Also called: CHARCOT-MARIE-TOOTH DISEASE, AXONAL, AUTOSOMAL RECESSIVE, TYPE 2S; CHARCOT-MARIE-TOOTH NEUROPATHY, TYPE 2S. Identifiers: Orphanet 443073, MedGen C4015349, MONDO:0014511, OMIM 616155.

Allele frequency attached by ClinVar (database versions not stated): TOPMed 0.00002.
gnomAD v4.1: 28 of 1,614,006 alleles (0.0017%); highest among the groups gnomAD compares: Non-Finnish European, 0.0023%; no homozygotes.

Submission:

Labcorp Genetics (formerly Invitae), Labcorp
Classification: Uncertain significance for Autosomal recessive distal spinal muscular atrophy 1; Charcot-Marie-Tooth disease axonal type 2S. Last evaluated: 2021-09-01. Review status: criteria provided, single submitter. Criteria: Invitae Variant Classification Sherloc (09022015). Collection method: clinical testing. Allele origin: germline.
Comment: This sequence change replaces proline with threonine at codon 557 of the IGHMBP2 protein (p.Pro557Thr). The proline residue is moderately conserved and there is a small physicochemical difference between proline and threonine. This variant is present in population databases (rs7122089, ExAC 0.003%). This variant has not been reported in the literature in individuals affected with IGHMBP2-related conditions. Algorithms developed to predict the effect of missense changes on protein structure and function are either unavailable or do not agree on the potential impact of this missense change (SIFT: "Tolerated"; PolyPhen-2: "Probably Damaging"; Align-GVGD: "Class C0"). In summary, the available evidence is currently insufficient to determine the role of this variant in disease. Therefore, it has been classified as a Variant of Uncertain Significance.

NM_002180.3(IGHMBP2):c.1669C>A (p.Pro557Thr)

Gene: IGHMBP2 (immunoglobulin mu DNA binding protein 2; plus strand). Cytogenetic location: 11q13.3.
Variant type: single nucleotide variant.
Coding change: c.1669C>A on transcript NM_002180.3 (MANE Select); coding-DNA position 1669, C replaced by A.
Protein change: p.Pro557Thr; replaces proline 557 with threonine.
Molecular consequence: missense variant.
Genome position (GRCh38, 1-based): chr11:68,935,335, C>A. VCF-style: chr11-68935335-C-A. GRCh37 (hg19) VCF-style: chr11-68702803-C-A.
Other names: short protein forms P557T.
Identifiers: ClinVar variation 1022092 (VCV001022092.6), dbSNP rs7122089, ClinGen allele CA6153737.
Genomic context (GRCh38, chr11:68,935,335, plus strand): 5'-ACCACAGCCCGGCTGGTGTTTCAGGTGGACCTGCTCAGACAGAGCCTTGTGCACAGGCAC[C>A]CTGAGCTTGAAATCAAGTCTGTCGATGGCTTCCAAGGCCGAGAGAAGGAGGCCGTGATAC-3'
Protein context (NP_002171.2, residues 547-567): LLRQSLVHRH[Pro557Thr]ELEIKSVDGF